The following is an entry in ClinVar:

ClinVar aggregate classification (germline): Uncertain significance. Review status: criteria provided, single submitter (1 of 4 stars). 2 submissions from 1 submitter: Uncertain significance (2). Last evaluated 2023-06-22.

Conditions:
Developmental and epileptic encephalopathy 6B. Also called: Developmental and epileptic encephalopathy 6B, non-Dravet. Identifiers: MedGen C5543353, MONDO:0030268, OMIM 619317.
Severe myoclonic epilepsy in infancy (DRVT). Also called: Epileptic encephalopathy, early infantile, 6 (Dravet syndrome); SEVERE MYOCLONIC EPILEPSY OF INFANCY; DEVELOPMENTAL AND EPILEPTIC ENCEPHALOPATHY 6A; Severe Myoclonic Epilepsy in Infancy (SMEI); Dravet syndrome. Identifiers: Orphanet 33069, MedGen C0751122, MONDO:0100135, OMIM 607208.

gnomAD v4.1: 11 of 1,613,166 alleles (0.00068%); highest among the groups gnomAD compares: South Asian, 0.0077%; no homozygotes.

Submissions (2):

Neuberg Centre For Genomic Medicine, NCGM
Classification: Uncertain significance for Developmental and epileptic encephalopathy 6B. Last evaluated: 2023-06-22. Review status: criteria provided, single submitter. Criteria: ACMG Guidelines, 2015. Collection method: clinical testing. Allele origin: germline. Inheritance: Autosomal dominant inheritance. Affected: yes.
Comment: The missense c.4712C>T(p.Thr1571Ile) variant in SCN1A gene has not been reported previously as a pathogenic variant nor as a benign variant, to our knowledge. This variant is present with an allele frequency of 0.001% in gnomAD Exomes. This variant has not been submitted to the ClinVar database. Computational evidence (Polyphen - Benign, SIFT - Tolerated and MutationTaster -polymorphism) no damaging effect on protein structure and function for this variant. The amino acid Thr at position 1571 is changed to a Ile changing protein sequence and it might alter its composition and physico-chemical properties. For these reasons, this variant has been classified as Variant of Uncertain Significance (VUS).

Neuberg Centre For Genomic Medicine, NCGM
Classification: Uncertain significance for Severe myoclonic epilepsy in infancy. Last evaluated: 2023-06-22. Review status: criteria provided, single submitter. Criteria: ACMG Guidelines, 2015. Collection method: clinical testing. Allele origin: germline. Inheritance: Autosomal dominant inheritance. Affected: yes.
Comment: The observed missense c.4712C>T (p.Thr1571Ile) variant in SCN1A gene has not been reported previously as a pathogenic variant nor as a benign variant, to our knowledge. The p.Thr1571Ile variant is present with an allele frequency of 0.001% on gnomAD exomes database. This variant has not been submitted to the ClinVar database. Multiple lines of computational evidence (SIFT - tolerated; Polyphen - benign; MutationTaster - polymorphism) predict no damaging effect on protein structure and function for this variant. The amino acid Thr at position 1571 is changed to a Ile changing protein sequence and it might alter its composition and physico-chemical properties. For these reasons, this variant has been classified as a Variant of Uncertain Significance (VUS).

NM_001165963.4(SCN1A):c.4712C>T (p.Thr1571Ile)

Genes: SCN1A (sodium voltage-gated channel alpha subunit 1; minus strand), LOC102724058 (uncharacterized LOC102724058; plus strand). Cytogenetic location: 2q24.3.
Variant type: single nucleotide variant.
Coding change: c.4712C>T on transcript NM_001165963.4 (MANE Select); coding-DNA position 4712, C replaced by T.
Protein change: p.Thr1571Ile; replaces threonine 1571 with isoleucine.
Molecular consequence: missense variant. On other transcripts: non-coding transcript variant (1).
Genome position (GRCh38, 1-based): chr2:165,994,286, G>A on the plus strand (C>T on the coding strand, the complement: SCN1A is on the minus strand). VCF-style: chr2-165994286-G-A. GRCh37 (hg19) VCF-style: chr2-166850796-G-A.
Other names: c.4628C>T, p.Thr1543Ile (NM_001165964.3, NM_001353957.2, NM_001353958.2); c.4712C>T, p.Thr1571Ile (NM_001202435.3, NM_001353948.2); c.4679C>T, p.Thr1560Ile (NM_001353949.2, NM_001353950.2, NM_001353951.2 and 2 more transcripts); c.4676C>T, p.Thr1559Ile (NM_001353954.2, NM_001353955.2); c.4625C>T, p.Thr1542Ile (NM_001353960.2); c.2270C>T, p.Thr757Ile (NM_001353961.2); short protein forms T1542I, T1543I, T1559I, T1560I, T1571I, T757I.
Identifiers: ClinVar variation 3731475 (VCV003731475.1).
Genomic context (GRCh38, chr2:165,994,286, plus strand): 5'-TTCAGTACACACTCTCCAGTAAATAGCACAATGAACACCAGATTGATGCGTGACAAAATG[G>A]TAGTCACATATTCACTCTGGTCATCTGTTTCCACCATCATTGTGACCATGTTAAGACAGA-3'
Protein context (NP_001159435.1, residues 1561-1581): ETDDQSEYVT[Thr1571Ile]ILSRINLVFI